The following is an entry in ClinVar:

NM_177438.3(DICER1):c.365G>A (p.Gly122Glu)

Gene: DICER1 (dicer 1, ribonuclease III; minus strand). Cytogenetic location: 14q32.13.
Variant type: single nucleotide variant.
Coding change: c.365G>A on transcript NM_177438.3 (MANE Select); coding-DNA position 365, G replaced by A.
Protein change: p.Gly122Glu; replaces glycine 122 with glutamic acid.
Molecular consequence: missense variant.
Genome position (GRCh38, 1-based): chr14:95,131,582, C>T on the plus strand (G>A on the coding strand, the complement: DICER1 is on the minus strand). VCF-style: chr14-95131582-C-T. GRCh37 (hg19) VCF-style: chr14-95597919-C-T.
Other names: c.365G>A, p.Gly122Glu (NM_001195573.1, NM_001271282.3, NM_001291628.2 and 1 more transcripts); short protein forms G122E.
Identifiers: ClinVar variation 843013 (VCV000843013.12), dbSNP rs1893954557, ClinGen allele CA390889158.

ClinVar aggregate classification (germline): Uncertain significance. Review status: criteria provided, multiple submitters, no conflicts (2 of 4 stars). 2 submissions from 2 submitters: Uncertain significance (2). Last evaluated 2024-11-28.

Conditions:
DICER1-related tumor predisposition. Also called: DICER1 syndrome; DICER1-related pleuropulmonary blastoma cancer predisposition syndrome. Identifiers: Orphanet 284343, MedGen C3839822, MONDO:0100216.
Hereditary cancer-predisposing syndrome. Also called: Neoplastic Syndromes, Hereditary; Hereditary neoplastic syndrome; Tumor predisposition; Hereditary Cancer Syndrome. Identifiers: Orphanet 140162, MedGen C0027672, MeSH D009386, MONDO:0015356.

Submissions (2):

Ambry Genetics
Classification: Uncertain significance for Hereditary cancer-predisposing syndrome. Last evaluated: 2024-11-28. Review status: criteria provided, single submitter. Criteria: Ambry Variant Classification Scheme 2023. Collection method: clinical testing. Allele origin: germline.
Comment: The p.G122E variant (also known as c.365G>A), located in coding exon 3 of the DICER1 gene, results from a G to A substitution at nucleotide position 365. The glycine at codon 122 is replaced by glutamic acid, an amino acid with similar properties. This amino acid position is conserved. In addition, the in silico prediction for this alteration is inconclusive. Based on the available evidence, the clinical significance of this variant remains unclear.

Labcorp Genetics (formerly Invitae), Labcorp
Classification: Uncertain significance for DICER1-related tumor predisposition. Last evaluated: 2022-03-08. Review status: criteria provided, single submitter. Criteria: Invitae Variant Classification Sherloc (09022015). Collection method: clinical testing. Allele origin: germline.
Comment: Algorithms developed to predict the effect of missense changes on protein structure and function are either unavailable or do not agree on the potential impact of this missense change (SIFT: "Deleterious"; PolyPhen-2: "Probably Damaging"; Align-GVGD: "Class C0"). ClinVar contains an entry for this variant (Variation ID: 843013). This variant has not been reported in the literature in individuals affected with DICER1-related conditions. This variant is not present in population databases (gnomAD no frequency). This sequence change replaces glycine, which is neutral and non-polar, with glutamic acid, which is acidic and polar, at codon 122 of the DICER1 protein (p.Gly122Glu). In summary, the available evidence is currently insufficient to determine the role of this variant in disease. Therefore, it has been classified as a Variant of Uncertain Significance.